The following is an entry in ClinVar:

NM_005850.5(SF3B4):c.737dup (p.Val247fs)

Gene: SF3B4 (splicing factor 3b subunit 4; minus strand). Cytogenetic location: 1q21.2.
Variant type: Duplication.
Coding change: c.737dup on transcript NM_005850.5 (MANE Select); coding-DNA position 737, one base duplicated (C; older notation c.737dupC).
Protein change: p.Val247fs; shifts the reading frame from valine 247.
Molecular consequence: frameshift variant.
Genome position (GRCh38, 1-based): chr1:149,926,012, G duplicated on the plus strand (C on the coding strand, the reverse complement: SF3B4 is on the minus strand); the first of 5 consecutive G bases (chr1:149,926,012-149,926,016); duplicating any one gives the same sequence. VCF-style (leftmost placement, unchanged base first): chr1-149926011-T-TG. GRCh37 (hg19) VCF-style: chr1-149897903-T-TG.
Other names: short protein forms V247fs.
Identifiers: ClinVar variation 3340592 (VCV003340592.1).

ClinVar aggregate classification (germline): Pathogenic (1 of 4 stars; one submission).

Submission:

GeneDx
Classification: Pathogenic. Last evaluated: 2024-03-18. Review status: criteria provided, single submitter. Criteria: GeneDx Variant Classification Process June 2021. Collection method: clinical testing. Allele origin: germline. Affected: yes.
Comment: Frameshift variant predicted to result in abnormal protein length as the last 178 amino acids are replaced with 238 different amino acids, and other similar variants have been reported in HGMD; Not observed at significant frequency in large population cohorts (gnomAD); This variant is associated with the following publications: (PMID: 23568615)